The following is an entry in ClinVar:

ClinVar aggregate classification (germline): Conflicting classifications of pathogenicity. Review status: criteria provided, conflicting classifications (1 of 4 stars). 3 submissions from 3 submitters: Likely pathogenic (2); Uncertain significance (1). Last evaluated 2024-03-19.

Conditions:
Leber congenital amaurosis 8 (LCA8). Identifiers: Orphanet 65, MedGen C3151202, MONDO:0013453, OMIM 613835.
CRB1-related disorder. Also called: CRB1-related condition; CRB1-related disorders.
Retinitis pigmentosa 12 (RP12). Also called: RP WITH OR WITHOUT PPRPE; RP WITH OR WITHOUT PRESERVED PARAARTERIOLE RETINAL PIGMENT EPITHELIUM; RETINITIS PIGMENTOSA WITH OR WITHOUT PARAARTERIOLAR PRESERVATION OF RETINAL PIGMENT EPITHELIUM. Identifiers: Orphanet 791, MedGen C1838647, MONDO:0010818, OMIM 600105.

Submissions (3):

Blueprint Genetics
Classification: Likely pathogenic for CRB1-related disorders. Last evaluated: 2024-03-19. Review status: criteria provided, single submitter. Criteria: ACMG Guidelines, 2015. Collection method: clinical testing. Allele origin: germline. Affected: yes. Observed: 4 variant alleles.

Labcorp Genetics (formerly Invitae), Labcorp
Classification: Likely pathogenic for Leber congenital amaurosis 8; Retinitis pigmentosa 12. Last evaluated: 2022-10-18. Review status: criteria provided, single submitter. Criteria: Invitae Variant Classification Sherloc (09022015). Collection method: clinical testing. Allele origin: germline.
Comment: This sequence change replaces cysteine, which is neutral and slightly polar, with tyrosine, which is neutral and polar, at codon 933 of the CRB1 protein (p.Cys933Tyr). This variant is not present in population databases (gnomAD no frequency). This missense change has been observed in individual(s) with early-onset severe retinal dystrophy (PMID: 30576320). In at least one individual the data is consistent with being in trans (on the opposite chromosome) from a pathogenic variant. ClinVar contains an entry for this variant (Variation ID: 587384). Algorithms developed to predict the effect of missense changes on protein structure and function (SIFT, PolyPhen-2, Align-GVGD) all suggest that this variant is likely to be disruptive. This variant disrupts the p.Cys933 amino acid residue in CRB1. Other variant(s) that disrupt this residue have been observed in individuals with CRB1-related conditions (PMID: 31736247), which suggests that this may be a clinically significant amino acid residue. In summary, the currently available evidence indicates that the variant is pathogenic, but additional data are needed to prove that conclusively. Therefore, this variant has been classified as Likely Pathogenic.

Molecular Genetics Laboratory, Institute for Ophthalmic Research
Classification: Uncertain significance for Leber congenital amaurosis 8. Last evaluated: 2018-08-21. Review status: criteria provided, single submitter. Criteria: ACMG Guidelines, 2015. Collection method: research. Allele origin: germline. Affected: yes.

Literature cited by the submitters: PubMed 30576320 (cited by Labcorp Genetics (formerly Invitae), Labcorp and Molecular Genetics Laboratory, Institute for Ophthalmic Research); PubMed 31736247 (cited by Labcorp Genetics (formerly Invitae), Labcorp).

NM_201253.3(CRB1):c.2798G>A (p.Cys933Tyr)

Gene: CRB1 (crumbs cell polarity complex component 1; plus strand). Cytogenetic location: 1q31.3.
Variant type: single nucleotide variant.
Coding change: c.2798G>A on transcript NM_201253.3 (MANE Select); coding-DNA position 2798, G replaced by A.
Protein change: p.Cys933Tyr; replaces cysteine 933 with tyrosine.
Molecular consequence: missense variant. On other transcripts: non-coding transcript variant (2), intron variant (1).
Genome position (GRCh38, 1-based): chr1:197,429,570, G>A. VCF-style: chr1-197429570-G-A. GRCh37 (hg19) VCF-style: chr1-197398700-G-A.
Other names: c.2462G>A, p.Cys821Tyr (NM_001193640.2); c.2726G>A, p.Cys909Tyr (NM_001257965.2); c.2129-6030G>A (NM_001257966.2); short protein forms C933Y, C909Y, C821Y.
Identifiers: ClinVar variation 587384 (VCV000587384.6), dbSNP rs1558133731, ClinGen allele CA344041226.
Genomic context (GRCh38, chr1:197,429,570, plus strand): 5'-GTCCTGCCCTCACAAGTGGGAAAGCCTGTGAGGAGGTTCAGTGGTGTGGATTCAGCCCGT[G>A]TCCTCACGGAGCCCAGTGCCAGCCGGTGCTTCAAGGATTTGAATGTAGGTAGAGTTCAAA-3'
Protein context (NP_957705.1, residues 923-943): EEVQWCGFSP[Cys933Tyr]PHGAQCQPVL